The following is an entry in ClinVar:

NM_005027.4(PIK3R2):c.618G>C (p.Gly206=)

Genes: PIK3R2 (phosphoinositide-3-kinase regulatory subunit 2; plus strand), LOC130063979 (ATAC-STARR-seq lymphoblastoid silent region 10375; plus strand). Cytogenetic location: 19p13.11.
Variant type: single nucleotide variant.
Coding change: c.618G>C on transcript NM_005027.4 (MANE Select); coding-DNA position 618, G replaced by C.
Protein change: p.Gly206=; no amino-acid change (glycine 206 retained).
Molecular consequence: synonymous variant. On other transcripts: non-coding transcript variant (1).
Genome position (GRCh38, 1-based): chr19:18,161,298, G>C. VCF-style: chr19-18161298-G-C. GRCh37 (hg19) VCF-style: chr19-18272108-G-C.
Identifiers: ClinVar variation 3047845 (VCV003047845.2), dbSNP rs1263410739, ClinGen allele CA506108574.
Genomic context (GRCh38, chr19:18,161,298, plus strand): 5'-GCCCAGGCCTGGCTCACCCTGCCCTGGCCATCTGTCCGCAGAGGCCGCGGGGCCCGTGGG[G>C]CCGGCGCTGGAGCCACCGACGCTGCCGCTGCACCGCGCGCTCACGCTGCGCTTCCTGCTC-3'
Protein context (NP_005018.2, residues 196-216): RALREAAGPV[Gly206=]PALEPPTLPL

ClinVar aggregate classification (germline): Likely benign (0 of 4 stars; one submission).

Conditions:
PIK3R2-related disorder. Also called: PIK3R2-related condition.

gnomAD v4.1: 1 of 1,383,746 alleles (0.000072%); no homozygotes.

Submission:

PreventionGenetics, part of Exact Sciences
Classification: Likely benign for PIK3R2-related condition. Last evaluated: 2020-11-13. Review status: no assertion criteria provided. Collection method: clinical testing. Allele origin: germline.
Comment: This variant is classified as likely benign based on ACMG/AMP sequence variant interpretation guidelines (Richards et al. 2015 PMID: 25741868, with internal and published modifications).